The following is an entry in ClinVar:

ClinVar aggregate classification (germline): Uncertain significance. Review status: criteria provided, multiple submitters, no conflicts (2 of 4 stars). 3 submissions from 3 submitters: Uncertain significance (3). Last evaluated 2025-05-16.

Conditions:
PRPH2-related disorder. Also called: PRPH2-related condition; PRPH2-related disorders. Identifiers: MedGen CN239395.

Submissions (3):

PreventionGenetics, part of Exact Sciences
Classification: Uncertain significance for PRPH2-related condition. Last evaluated: 2025-05-16. Review status: criteria provided, single submitter. Criteria: ACMG Guidelines, 2015. Collection method: clinical testing. Allele origin: germline.
Comment: The PRPH2 c.401T>C variant is predicted to result in the amino acid substitution p.Leu134Pro. This variant was reported in an individual with retinal disease (supplementary data, Lin et al. 2024. PubMed ID: 38219857). This variant is absent from a large population database (gnomAD), indicating this variant is rare. At this time, the clinical significance of this variant is uncertain due to the absence of conclusive functional and genetic evidence.

Labcorp Genetics (formerly Invitae), Labcorp
Classification: Uncertain significance for PRPH2-related disorder. Last evaluated: 2024-10-21. Review status: criteria provided, single submitter. Criteria: Invitae Variant Classification Sherloc (09022015). Collection method: clinical testing. Allele origin: germline.
Comment: This sequence change replaces leucine, which is neutral and non-polar, with proline, which is neutral and non-polar, at codon 134 of the PRPH2 protein (p.Leu134Pro). This variant is not present in population databases (gnomAD no frequency). This variant has not been reported in the literature in individuals affected with PRPH2-related conditions. ClinVar contains an entry for this variant (Variation ID: 916281). Invitae Evidence Modeling of protein sequence and biophysical properties (such as structural, functional, and spatial information, amino acid conservation, physicochemical variation, residue mobility, and thermodynamic stability) indicates that this missense variant is expected to disrupt PRPH2 protein function with a positive predictive value of 95%. In summary, the available evidence is currently insufficient to determine the role of this variant in disease. Therefore, it has been classified as a Variant of Uncertain Significance.

CeGaT Center for Human Genetics Tuebingen
Classification: Uncertain significance. Last evaluated: 2020-05-01. Review status: criteria provided, single submitter. Criteria: CeGaT Center For Human Genetics Tuebingen Variant Classification Criteria Version 2. Collection method: clinical testing. Allele origin: germline. Affected: yes. Observed: 2 variant alleles.

NM_000322.5(PRPH2):c.401T>C (p.Leu134Pro)

Gene: PRPH2 (peripherin 2; minus strand). Cytogenetic location: 6p21.1.
Variant type: single nucleotide variant.
Coding change: c.401T>C on transcript NM_000322.5 (MANE Select); coding-DNA position 401, T replaced by C.
Protein change: p.Leu134Pro; replaces leucine 134 with proline.
Molecular consequence: missense variant.
Genome position (GRCh38, 1-based): chr6:42,721,934, A>G on the plus strand (T>C on the coding strand, the complement: PRPH2 is on the minus strand). VCF-style: chr6-42721934-A-G. GRCh37 (hg19) VCF-style: chr6-42689672-A-G.
Other names: c.401T>C (NM_000322.4); short protein forms L134P.
Identifiers: ClinVar variation 916281 (VCV000916281.47), dbSNP rs1761910745, ClinGen allele CA364137640.
Genomic context (GRCh38, chr6:42,721,934, plus strand): 5'-TTCTTCATGAAACACCTGCCAGGGGTGTCTGTGTCCCGGTAGTACTTCATGCCGTTCTTG[A>G]GCCCTTGGCCCAGGGTGTTCTCCAGCGAGCCCCGAAGCAGAAAGCAGCAGAGAGCCACAA-3'
Protein context (NP_000313.2, residues 124-144): GSLENTLGQG[Leu134Pro]KNGMKYYRDT